The following is an entry in ClinVar:

ClinVar aggregate classification (germline): Pathogenic (3 of 4 stars; one submission).

Conditions:
Glanzmann thrombasthenia. Also called: PLATELET GLYCOPROTEIN IIb-IIIa DEFICIENCY; BLEEDING DISORDER, PLATELET-TYPE, 2; THROMBASTHENIA OF GLANZMANN AND NAEGELI; Thrombasthenia; Glanzmann's thrombasthenia. Identifiers: Orphanet 849, MedGen C0040015, MONDO:0100326.

Submission:

ClinGen Platelet Disorders Variant Curation Expert Panel, ClinGen
Classification: Pathogenic for Glanzmann thrombasthenia. Last evaluated: 2022-10-06. Review status: reviewed by expert panel. Criteria: ClinGen Platelet ACMG Specifications v2-1. Collection method: curation. Allele origin: germline. Inheritance: Autosomal recessive inheritance.
Comment: NM_000212.3(ITGB3):c.330_336del (p.Ser110ArgfsTer32) frameshift variant in exon 3 is predicted to cause a premature stop codon in biologically-relevant-exon 4/15 and is predicted to lead to nonsense mediated decay in a gene in which loss-of-function is an established disease mechanism (PVS1). At least one patient (UPN 10 in PMID: 16879215) with this variant displayed mucocutaneous bleeding and impaired aggregation with all agonists except ristocetin, which is highly specific for Glanzmann thrombasthenia (PP4_moderate). Additionally, αIIbβ3 surface expression was reduced to 3%, as measured by flow cytometry. UPN 10 is homozygous for this variant (PM3_supporting; PMID: 16879215). This variant is absent from gnomAD v2.1.1 (PM2_Supporting). In summary, this variant meets the criteria to be classified as pathogenic for autosomal recessive Glanzmann Thrombasthenia based on the ACMG/AMP criteria applied, as specified by the ClinGen PD VCEP: PVS1, PM2_supporting, PM3_supporting, PP4_moderate.

NM_000212.3(ITGB3):c.330_336del (p.Ser110fs)

Gene: ITGB3 (integrin subunit beta 3; plus strand). Cytogenetic location: 17q21.32.
Variant type: Deletion.
Coding change: c.330_336del on transcript NM_000212.3 (MANE Select); coding-DNA positions 330 to 336, 7 bases deleted (TCCCCAG; older notation c.330_336delTCCCCAG).
Protein change: p.Ser110fs; shifts the reading frame from serine 110.
Molecular consequence: frameshift variant.
Genome position (GRCh38, 1-based): chr17:47,283,518-47,283,524, TCCCCAG deleted; deleting any 7 consecutive bases within chr17:47,283,515-47,283,524 gives the same sequence; the c. name uses the placement nearest the transcript's 3' end. VCF-style (leftmost placement, unchanged base first): chr17-47283514-TCAGTCCC-T. GRCh37 (hg19) VCF-style: chr17-45360880-TCAGTCCC-T.
Other names: NM_000212.3:c.330_336del; short protein forms S110fs.
Identifiers: ClinVar variation 1879021 (VCV001879021.1), dbSNP rs2547615939, ClinGen allele CA915940806.